The following is an entry in ClinVar:

ClinVar aggregate classification (germline): Uncertain significance (1 of 4 stars; one submission).

Conditions:
Familial hypobetalipoproteinemia 1. Also called: APOB-Related Familial Hypobetalipoproteinemia; Hypobetalipoproteinemia, normotriglyceridemic; Acanthocytosis with hypobetalipoproteinemia. Identifiers: MedGen C4551990, MONDO:0014252, OMIM 615558.
Hypercholesterolemia, autosomal dominant, type B (FHCL2). Also called: Familial Hypercholesterolemia Type B; APOLIPOPROTEIN B-100, FAMILIAL DEFECTIVE; APOLIPOPROTEIN B-100, FAMILIAL LIGAND-DEFECTIVE; HYPERCHOLESTEROLEMIA, FAMILIAL, DUE TO LIGAND-DEFECTIVE APOLIPOPROTEIN B; Hyperlipoproteinemia Type IIb; Familial hypercholesterolemia 2. Identifiers: MedGen C1704417, MONDO:0007751, OMIM 144010.

Allele frequency attached by ClinVar (database versions not stated): gnomAD exomes below 0.00001; TOPMed below 0.00001; ExAC 0.00001.
gnomAD v4.1: 4 of 1,614,076 alleles (0.00025%); highest among the groups gnomAD compares: East Asian, 0.0045%; no homozygotes.

Submission:

Labcorp Genetics (formerly Invitae), Labcorp
Classification: Uncertain significance for Familial hypobetalipoproteinemia 1; Hypercholesterolemia, autosomal dominant, type B. Last evaluated: 2023-11-28. Review status: criteria provided, single submitter. Criteria: Invitae Variant Classification Sherloc (09022015). Collection method: clinical testing. Allele origin: germline.
Comment: This sequence change replaces threonine, which is neutral and polar, with alanine, which is neutral and non-polar, at codon 3526 of the APOB protein (p.Thr3526Ala). This variant is not present in population databases (gnomAD no frequency). This missense change has been observed in individual(s) with familial hypercholesterolemia (PMID: 23775634). Advanced modeling of protein sequence and biophysical properties (such as structural, functional, and spatial information, amino acid conservation, physicochemical variation, residue mobility, and thermodynamic stability) performed at Invitae indicates that this missense variant is not expected to disrupt APOB protein function with a negative predictive value of 95%. In summary, the available evidence is currently insufficient to determine the role of this variant in disease. Therefore, it has been classified as a Variant of Uncertain Significance.

Literature cited by the submitters: PubMed 23775634.

NM_000384.3(APOB):c.10576A>G (p.Thr3526Ala)

Gene: APOB (apolipoprotein B; minus strand). Cytogenetic location: 2p24.1.
Variant type: single nucleotide variant.
Coding change: c.10576A>G on transcript NM_000384.3 (MANE Select); coding-DNA position 10576, A replaced by G.
Protein change: p.Thr3526Ala; replaces threonine 3526 with alanine.
Molecular consequence: missense variant.
Genome position (GRCh38, 1-based): chr2:21,006,292, T>C on the plus strand (A>G on the coding strand, the complement: APOB is on the minus strand). VCF-style: chr2-21006292-T-C. GRCh37 (hg19) VCF-style: chr2-21229164-T-C.
Other names: short protein forms T3526A.
Identifiers: ClinVar variation 2946802 (VCV002946802.1), dbSNP rs756696584, ClinGen allele CA044105.